The following is an entry in ClinVar:

ClinVar aggregate classification (germline): Uncertain significance (1 of 4 stars; one submission).

Conditions:
Renal cell carcinoma. Identifiers: Orphanet 217071, MedGen C0007134, MeSH D002292, MONDO:0005086, HP:0005584.

Submission:

Labcorp Genetics (formerly Invitae), Labcorp
Classification: Uncertain significance for Renal cell carcinoma. Last evaluated: 2025-07-16. Review status: criteria provided, single submitter. Criteria: Invitae Variant Classification Sherloc (09022015). Collection method: clinical testing. Allele origin: germline.
Comment: This sequence change replaces aspartic acid, which is acidic and polar, with asparagine, which is neutral and polar, at codon 224 of the MET protein (p.Asp224Asn). This variant is not present in population databases (gnomAD no frequency). This variant has not been reported in the literature in individuals affected with MET-related conditions. Invitae Evidence Modeling of protein sequence and biophysical properties (such as structural, functional, and spatial information, amino acid conservation, physicochemical variation, residue mobility, and thermodynamic stability) indicates that this missense variant is not expected to disrupt MET protein function with a negative predictive value of 80%. In summary, the available evidence is currently insufficient to determine the role of this variant in disease. Therefore, it has been classified as a Variant of Uncertain Significance.

NM_000245.4(MET):c.670G>A (p.Asp224Asn)

Gene: MET (MET proto-oncogene, receptor tyrosine kinase; plus strand). Cytogenetic location: 7q31.2.
Variant type: single nucleotide variant.
Coding change: c.670G>A on transcript NM_000245.4 (MANE Select); coding-DNA position 670, G replaced by A.
Protein change: p.Asp224Asn; replaces aspartic acid 224 with asparagine.
Molecular consequence: missense variant. On other transcripts: intron variant (1).
Genome position (GRCh38, 1-based): chr7:116,699,754, G>A. VCF-style: chr7-116699754-G-A. GRCh37 (hg19) VCF-style: chr7-116339808-G-A.
Other names: c.670G>A, p.Asp224Asn (NM_001127500.3, NM_001324401.3); c.-91+27177G>A (NM_001324402.2); short protein forms D224N.
Identifiers: ClinVar variation 4766670 (VCV004766670.1).
Genomic context (GRCh38, chr7:116,699,754, plus strand): 5'-TCTTATTTCCCAGATCATCCATTGCATTCGATATCAGTGAGAAGGCTAAAGGAAACGAAA[G>A]ATGGTTTTATGTTTTTGACGGACCAGTCCTACATTGATGTTTTACCTGAGTTCAGAGATT-3'
Protein context (NP_000236.2, residues 214-234): ISVRRLKETK[Asp224Asn]GFMFLTDQSY